The following is an entry in ClinVar:

NM_000059.4(BRCA2):c.2059G>A (p.Asp687Asn)

Gene: BRCA2 (BRCA2 DNA repair associated; plus strand). Cytogenetic location: 13q13.1.
Variant type: single nucleotide variant.
Coding change: c.2059G>A on transcript NM_000059.4 (MANE Select); coding-DNA position 2059, G replaced by A.
Protein change: p.Asp687Asn; replaces aspartic acid 687 with asparagine.
Molecular consequence: missense variant.
Genome position (GRCh38, 1-based): chr13:32,336,414, G>A. VCF-style: chr13-32336414-G-A. GRCh37 (hg19) VCF-style: chr13-32910551-G-A.
Other names: short protein forms D687N.
Identifiers: ClinVar variation 923683 (VCV000923683.7), dbSNP rs2072449688, ClinGen allele CA387769008.

ClinVar aggregate classification (germline): Conflicting classifications of pathogenicity. Review status: criteria provided, conflicting classifications (1 of 4 stars). 3 submissions from 3 submitters: Uncertain significance (2); Likely benign (1). Last evaluated 2023-12-04.

Conditions:
Hereditary cancer-predisposing syndrome. Also called: Neoplastic Syndromes, Hereditary; Tumor predisposition; Hereditary Cancer Syndrome; Hereditary neoplastic syndrome. Identifiers: Orphanet 140162, MedGen C0027672, MeSH D009386, MONDO:0015356.

Allele frequency attached by ClinVar (database versions not stated): TOPMed below 0.00001.

Submissions (3):

Color Diagnostics, LLC DBA Color Health
Classification: Uncertain significance for Hereditary cancer-predisposing syndrome. Last evaluated: 2023-12-04. Review status: criteria provided, single submitter. Criteria: ACMG Guidelines, 2015. Collection method: clinical testing. Allele origin: germline.
Comment: This missense variant replaces aspartic acid with asparagine at codon 687 of the BRCA2 protein. Computational prediction suggests that this variant may not impact protein structure and function (internally defined REVEL score threshold <= 0.5, PMID: 27666373). To our knowledge, functional studies have not been reported for this variant. This variant has not been reported in individuals affected with BRCA2-related disorders in the literature. This variant has not been identified in the general population by the Genome Aggregation Database (gnomAD). The available evidence is insufficient to determine the role of this variant in disease conclusively. Therefore, this variant is classified as a Variant of Uncertain Significance.

University of Washington Department of Laboratory Medicine, University of Washington
Classification: Likely benign for Hereditary cancer-predisposing syndrome. Last evaluated: 2023-03-23. Review status: criteria provided, single submitter. Criteria: Dines et al. (Genet Med. 2020). Collection method: curation. Allele origin: germline.
Comment: Missense variant in a coldspot region where missense variants are very unlikely to be pathogenic (PMID:31911673).

BRCA2 exon 11 coldspot. Reclassification based on statistical prior probability.

Ambry Genetics
Classification: Uncertain significance for Hereditary cancer-predisposing syndrome. Last evaluated: 2022-07-22. Review status: criteria provided, single submitter. Criteria: Ambry Variant Classification Scheme 2023. Collection method: clinical testing. Allele origin: germline.